The following is an entry in ClinVar:

NM_002470.4(MYH3):c.107C>T (p.Thr36Met)

Gene: MYH3 (myosin heavy chain 3; minus strand). Cytogenetic location: 17p13.1.
Variant type: single nucleotide variant.
Coding change: c.107C>T on transcript NM_002470.4 (MANE Select); coding-DNA position 107, C replaced by T.
Protein change: p.Thr36Met; replaces threonine 36 with methionine.
Molecular consequence: missense variant.
Genome position (GRCh38, 1-based): chr17:10,654,958, G>A on the plus strand (C>T on the coding strand, the complement: MYH3 is on the minus strand). VCF-style: chr17-10654958-G-A. GRCh37 (hg19) VCF-style: chr17-10558275-G-A.
Other names: short protein forms T36M.
Identifiers: ClinVar variation 1438808 (VCV001438808.6), dbSNP rs530005642, ClinGen allele CA8393410.
Genomic context (GRCh38, chr17:10,654,958, plus strand): 5'-TGAGAACTCTTGATTTTCCCCTTGGCATATTCTTCCTTTGAGTCCACCACGAAGCAATAC[G>A]TCTTGGCATCAAAGGGCTGGTTCTGAGCCTCGATCCTCTCCTTTTCTGACTTCCGGAGGA-3'
Protein context (NP_002461.2, residues 26-46): EAQNQPFDAK[Thr36Met]YCFVVDSKEE

ClinVar aggregate classification (germline): Uncertain significance (1 of 4 stars; one submission).

Allele frequency attached by ClinVar (database versions not stated): gnomAD 0.00001 and 0.00003; TOPMed 0.00001; ExAC 0.00002; gnomAD exomes 0.00002; 1000 Genomes Project 30x 0.00016; 1000 Genomes Project 0.00020.
gnomAD v4.1: 28 of 1,614,086 alleles (0.0017%); highest among the groups gnomAD compares: South Asian, 0.0088%; no homozygotes.

Submission:

Labcorp Genetics (formerly Invitae), Labcorp
Classification: Uncertain significance. Last evaluated: 2022-12-29. Review status: criteria provided, single submitter. Criteria: Invitae Variant Classification Sherloc (09022015). Collection method: clinical testing. Allele origin: germline.
Comment: This sequence change replaces threonine, which is neutral and polar, with methionine, which is neutral and non-polar, at codon 36 of the MYH3 protein (p.Thr36Met). This variant is present in population databases (rs530005642, gnomAD 0.007%). This variant has not been reported in the literature in individuals affected with MYH3-related conditions. ClinVar contains an entry for this variant (Variation ID: 1438808). Advanced modeling of protein sequence and biophysical properties (such as structural, functional, and spatial information, amino acid conservation, physicochemical variation, residue mobility, and thermodynamic stability) performed at Invitae indicates that this missense variant is not expected to disrupt MYH3 protein function. In summary, the available evidence is currently insufficient to determine the role of this variant in disease. Therefore, it has been classified as a Variant of Uncertain Significance.